The following is an entry in ClinVar:

ClinVar aggregate classification (germline): Uncertain significance (1 of 4 stars; one submission).

Conditions:
Multiple endocrine neoplasia type 4. Also called: MULTIPLE ENDOCRINE NEOPLASIA, TYPE IV. Identifiers: Orphanet 276152, MedGen C1970712, MONDO:0012552, OMIM 610755.

Submission:

Labcorp Genetics (formerly Invitae), Labcorp
Classification: Uncertain significance for Multiple endocrine neoplasia type 4. Last evaluated: 2019-04-28. Review status: criteria provided, single submitter. Criteria: Invitae Variant Classification Sherloc (09022015). Collection method: clinical testing. Allele origin: germline.
Comment: This variant is not present in population databases (ExAC no frequency). In summary, the available evidence is currently insufficient to determine the role of this variant in disease. Therefore, it has been classified as a Variant of Uncertain Significance. Algorithms developed to predict the effect of missense changes on protein structure and function are either unavailable or do not agree on the potential impact of this missense change (SIFT: "Deleterious"; PolyPhen-2: "Benign"; Align-GVGD: "Class C0"). This variant has not been reported in the literature in individuals with CDKN1B-related conditions. This sequence change replaces histidine with glutamine at codon 23 of the CDKN1B protein (p.His23Gln). The histidine residue is moderately conserved and there is a small physicochemical difference between histidine and glutamine.

NM_004064.5(CDKN1B):c.69C>A (p.His23Gln)

Gene: CDKN1B (cyclin dependent kinase inhibitor 1B; plus strand). Cytogenetic location: 12p13.1.
Variant type: single nucleotide variant.
Coding change: c.69C>A on transcript NM_004064.5 (MANE Select); coding-DNA position 69, C replaced by A.
Protein change: p.His23Gln; replaces histidine 23 with glutamine.
Molecular consequence: missense variant.
Genome position (GRCh38, 1-based): chr12:12,717,908, C>A. VCF-style: chr12-12717908-C-A. GRCh37 (hg19) VCF-style: chr12-12870842-C-A.
Other names: short protein forms H23Q.
Identifiers: ClinVar variation 947203 (VCV000947203.9), dbSNP rs1946487615, ClinGen allele CA383968306.